The following is an entry in ClinVar:

NM_004385.5(VCAN):c.8606A>G (p.His2869Arg)

Genes: VCAN (versican; plus strand), VCAN-AS1 (VCAN antisense RNA 1; minus strand). Cytogenetic location: 5q14.3.
Variant type: single nucleotide variant.
Coding change: c.8606A>G on transcript NM_004385.5 (MANE Select); coding-DNA position 8606, A replaced by G.
Protein change: p.His2869Arg; replaces histidine 2869 with arginine.
Molecular consequence: missense variant. On other transcripts: intron variant (2).
Genome position (GRCh38, 1-based): chr5:83,541,609, A>G. VCF-style: chr5-83541609-A-G. GRCh37 (hg19) VCF-style: chr5-82837428-A-G.
Other names: c.5645A>G, p.His1882Arg (NM_001164097.2); c.4004-3928A>G (NM_001164098.2); c.1043-3928A>G (NM_001126336.3); c.8606A>G (NM_004385.4); short protein forms H2869R, H1882R.
Identifiers: ClinVar variation 1940467 (VCV001940467.6), dbSNP rs2479124165, ClinGen allele CA360293776.

ClinVar aggregate classification (germline): Uncertain significance. Review status: criteria provided, multiple submitters, no conflicts (2 of 4 stars). 2 submissions from 2 submitters: Uncertain significance (2). Last evaluated 2025-08-03.

Conditions:
Inborn genetic diseases. Identifiers: MedGen C0950123, MeSH D030342.

Allele frequency attached by ClinVar (database versions not stated): gnomAD exomes below 0.00001.
gnomAD v4.1: 3 of 1,613,924 alleles (0.00019%); highest among the groups gnomAD compares: Non-Finnish European, 0.00025%; no homozygotes.

Submissions (2):

Ambry Genetics
Classification: Uncertain significance for Inborn genetic diseases. Last evaluated: 2025-08-03. Review status: criteria provided, single submitter. Criteria: Ambry Variant Classification Scheme 2023. Collection method: clinical testing. Allele origin: germline.

Labcorp Genetics (formerly Invitae), Labcorp
Classification: Uncertain significance. Last evaluated: 2022-06-26. Review status: criteria provided, single submitter. Criteria: Invitae Variant Classification Sherloc (09022015). Collection method: clinical testing. Allele origin: germline.
Comment: This variant has not been reported in the literature in individuals affected with VCAN-related conditions. In summary, the available evidence is currently insufficient to determine the role of this variant in disease. Therefore, it has been classified as a Variant of Uncertain Significance. Algorithms developed to predict the effect of missense changes on protein structure and function output the following: SIFT: "Tolerated"; PolyPhen-2: "Benign"; Align-GVGD: "Class C0". The arginine amino acid residue is found in multiple mammalian species, which suggests that this missense change does not adversely affect protein function. This variant is not present in population databases (gnomAD no frequency). This sequence change replaces histidine, which is basic and polar, with arginine, which is basic and polar, at codon 2869 of the VCAN protein (p.His2869Arg).